The following is an entry in ClinVar:

NM_013266.4(CTNNA3):c.1787G>C (p.Ser596Thr)

Gene: CTNNA3 (catenin alpha 3; minus strand). Cytogenetic location: 10q21.3.
Variant type: single nucleotide variant.
Coding change: c.1787G>C on transcript NM_013266.4 (MANE Select); coding-DNA position 1787, G replaced by C.
Protein change: p.Ser596Thr; replaces serine 596 with threonine.
Molecular consequence: missense variant.
Genome position (GRCh38, 1-based): chr10:66,280,567, C>G on the plus strand (G>C on the coding strand, the complement: CTNNA3 is on the minus strand). VCF-style: chr10-66280567-C-G. GRCh37 (hg19) VCF-style: chr10-68040325-C-G.
Other names: c.1787G>C, p.Ser596Thr (NM_001127384.3); short protein forms S596T.
Identifiers: ClinVar variation 1718021 (VCV001718021.5), dbSNP rs4548513, ClinGen allele CA377091054.

ClinVar aggregate classification (germline): Uncertain significance (1 of 4 stars; one submission).

Conditions:
Arrhythmogenic right ventricular dysplasia 13. Also called: ARRHYTHMOGENIC RIGHT VENTRICULAR CARDIOMYOPATHY 13; Arrhythmogenic right ventricular dysplasia, familial, 13. Identifiers: MedGen C3810138, MONDO:0000908, OMIM 615616.

Submission:

Labcorp Genetics (formerly Invitae), Labcorp
Classification: Uncertain significance for Arrhythmogenic right ventricular dysplasia 13. Last evaluated: 2022-08-25. Review status: criteria provided, single submitter. Criteria: Invitae Variant Classification Sherloc (09022015). Collection method: clinical testing. Allele origin: germline.
Comment: This sequence change replaces serine, which is neutral and polar, with threonine, which is neutral and polar, at codon 596 of the CTNNA3 protein (p.Ser596Thr). This variant is not present in population databases (gnomAD no frequency). This variant has not been reported in the literature in individuals affected with CTNNA3-related conditions. Algorithms developed to predict the effect of missense changes on protein structure and function are either unavailable or do not agree on the potential impact of this missense change (SIFT: "Deleterious"; PolyPhen-2: "Not Available"; Align-GVGD: "Class C0"). In summary, the available evidence is currently insufficient to determine the role of this variant in disease. Therefore, it has been classified as a Variant of Uncertain Significance.